The following is an entry in ClinVar:

NM_001384910.1(GUCA1A):c.541C>A (p.Arg181Ser)

Genes: GUCA1A (guanylate cyclase activator 1A; plus strand), GUCA1ANB-GUCA1A (GUCA1ANB-GUCA1A readthrough; plus strand). Cytogenetic location: 6p21.1.
Variant type: single nucleotide variant.
Coding change: c.541C>A on transcript NM_001384910.1 (MANE Select); coding-DNA position 541, C replaced by A.
Protein change: p.Arg181Ser; replaces arginine 181 with serine.
Molecular consequence: missense variant.
Genome position (GRCh38, 1-based): chr6:42,179,338, C>A. VCF-style: chr6-42179338-C-A. GRCh37 (hg19) VCF-style: chr6-42147076-C-A.
Other names: c.541C>A, p.Arg181Ser (NM_000409.5, NM_001319061.2, NM_001319062.2); short protein forms R181S.
Identifiers: ClinVar variation 1040472 (VCV001040472.8), dbSNP rs375356680, ClinGen allele CA138137457.

ClinVar aggregate classification (germline): Uncertain significance (1 of 4 stars; one submission).

Allele frequency attached by ClinVar (database versions not stated): gnomAD exomes below 0.00001 and 0.00004; gnomAD 0.00001; TOPMed 0.00002; ESP Exome Variant Server 0.00008.
gnomAD v4.1: 60 of 1,613,512 alleles (0.0037%); highest among the groups gnomAD compares: Non-Finnish European, 0.0051%; no homozygotes.

Submission:

Labcorp Genetics (formerly Invitae), Labcorp
Classification: Uncertain significance. Last evaluated: 2024-06-17. Review status: criteria provided, single submitter. Criteria: Invitae Variant Classification Sherloc (09022015). Collection method: clinical testing. Allele origin: germline.
Comment: This sequence change replaces arginine, which is basic and polar, with serine, which is neutral and polar, at codon 181 of the GUCA1A protein (p.Arg181Ser). This variant is present in population databases (rs375356680, gnomAD 0.0009%). This variant has not been reported in the literature in individuals affected with GUCA1A-related conditions. ClinVar contains an entry for this variant (Variation ID: 1040472). An algorithm developed to predict the effect of missense changes on protein structure and function (PolyPhen-2) suggests that this variant is likely to be tolerated. In summary, the available evidence is currently insufficient to determine the role of this variant in disease. Therefore, it has been classified as a Variant of Uncertain Significance.